The following is an entry in ClinVar:

NM_201384.3(PLEC):c.11087A>G (p.Tyr3696Cys)

Gene: PLEC (plectin; minus strand). Cytogenetic location: 8q24.3.
Variant type: single nucleotide variant.
Coding change: c.11087A>G on transcript NM_201384.3 (MANE Select); coding-DNA position 11087, A replaced by G.
Protein change: p.Tyr3696Cys; replaces tyrosine 3696 with cysteine.
Molecular consequence: missense variant.
Genome position (GRCh38, 1-based): chr8:143,918,734, T>C on the plus strand (A>G on the coding strand, the complement: PLEC is on the minus strand). VCF-style: chr8-143918734-T-C. GRCh37 (hg19) VCF-style: chr8-144992902-T-C.
Other names: c.11168A>G, p.Tyr3723Cys (NM_000445.5); c.7787A>G, p.Tyr2596Cys (NM_001410941.1); c.11045A>G, p.Tyr3682Cys (NM_201378.4); c.11021A>G, p.Tyr3674Cys (NM_201379.3); c.11498A>G, p.Tyr3833Cys (NM_201380.4); c.10991A>G, p.Tyr3664Cys (NM_201381.3); c.11087A>G, p.Tyr3696Cys (NM_201382.4); c.11099A>G, p.Tyr3700Cys (NM_201383.3); short protein forms Y3682C, Y3700C, Y2596C, Y3664C, Y3723C, Y3833C, Y3674C, Y3696C.
Identifiers: ClinVar variation 3933929 (VCV003933929.2).

ClinVar aggregate classification (germline): Uncertain significance. Review status: criteria provided, multiple submitters, no conflicts (2 of 4 stars). 2 submissions from 2 submitters: Uncertain significance (2). Last evaluated 2025-05-12.

Conditions:
Epidermolysis bullosa simplex with nail dystrophy (EBS5D). Identifiers: MedGen C4225309, MONDO:0014661, OMIM 616487.
Epidermolysis bullosa simplex 5C, with pyloric atresia (EBS5C). Also called: PLEC-Related Epidermolysis Bullosa with Pyloric Atresia; Epidermolysis bullosa simplex with pyloric atresia; PLEC1-Related Epidermolysis Bullosa with Pyloric Atresia. Identifiers: Orphanet 158684, MedGen C2677349, MONDO:0012807, OMIM 612138.
Epidermolysis bullosa simplex, Ogna type (EBS5A). Also called: Pidermolysis bullosa simplex 5A, Ogna type; EPIDERMOLYSIS BULLOSA SIMPLEX 5A, OGNA TYPE. Identifiers: Orphanet 79401, MedGen C0432317, MONDO:0007555, OMIM 131950.
Autosomal recessive limb-girdle muscular dystrophy type 2Q (LGMDR17). Also called: MUSCULAR DYSTROPHY, LIMB-GIRDLE, AUTOSOMAL RECESSIVE 17. Identifiers: Orphanet 254361, MedGen C3150989, MONDO:0013390, OMIM 613723.
Epidermolysis bullosa simplex 5B, with muscular dystrophy (EBS5B). Also called: EPIDERMOLYSIS BULLOSA SIMPLEX AND LIMB-GIRDLE MUSCULAR DYSTROPHY; Epidermolysis bullosa simplex with muscular dystrophy. Identifiers: Orphanet 257, MedGen C2931072, MONDO:0009181, OMIM 226670.
Inborn genetic diseases. Identifiers: MedGen C0950123, MeSH D030342.

Submissions (2):

Labcorp Genetics (formerly Invitae), Labcorp
Classification: Uncertain significance for Autosomal recessive limb-girdle muscular dystrophy type 2Q; Epidermolysis bullosa simplex, Ogna type; Epidermolysis bullosa simplex with nail dystrophy; Epidermolysis bullosa simplex 5C, with pyloric atresia; Epidermolysis bullosa simplex 5B, with muscular dystrophy. Last evaluated: 2025-05-12. Review status: criteria provided, single submitter. Criteria: Invitae Variant Classification Sherloc (09022015). Collection method: clinical testing. Allele origin: germline.
Comment: This sequence change replaces tyrosine, which is neutral and polar, with cysteine, which is neutral and slightly polar, at codon 3723 of the PLEC protein (p.Tyr3723Cys). This variant is not present in population databases (gnomAD no frequency). This variant has not been reported in the literature in individuals affected with PLEC-related conditions. An algorithm developed to predict the effect of missense changes on protein structure and function (PolyPhen-2) suggests that this variant is likely to be disruptive. In summary, the available evidence is currently insufficient to determine the role of this variant in disease. Therefore, it has been classified as a Variant of Uncertain Significance.

Ambry Genetics
Classification: Uncertain significance for Inborn genetic diseases. Last evaluated: 2025-05-06. Review status: criteria provided, single submitter. Criteria: Ambry Variant Classification Scheme 2023. Collection method: clinical testing. Allele origin: germline.